The following is an entry in ClinVar:

ClinVar aggregate classification (germline): Uncertain significance. Review status: criteria provided, multiple submitters, no conflicts (2 of 4 stars). 3 submissions from 3 submitters: Uncertain significance (3). Last evaluated 2025-04-18.

Conditions:
Renal cell carcinoma. Identifiers: Orphanet 217071, MedGen C0007134, MeSH D002292, MONDO:0005086, HP:0005584.
Hereditary cancer-predisposing syndrome. Also called: Tumor predisposition; Hereditary Cancer Syndrome; Neoplastic Syndromes, Hereditary; Hereditary neoplastic syndrome. Identifiers: Orphanet 140162, MedGen C0027672, MeSH D009386, MONDO:0015356.

Allele frequency attached by ClinVar (database versions not stated): gnomAD exomes below 0.00001.
gnomAD v4.1: 1 of 1,614,188 alleles (0.000062%); highest among the groups gnomAD compares: Non-Finnish European, 0.000085%; no homozygotes.

Submissions (3):

Labcorp Genetics (formerly Invitae), Labcorp
Classification: Uncertain significance for Renal cell carcinoma. Last evaluated: 2025-04-18. Review status: criteria provided, single submitter. Criteria: Invitae Variant Classification Sherloc (09022015). Collection method: clinical testing. Allele origin: germline.
Comment: This sequence change replaces serine, which is neutral and polar, with cysteine, which is neutral and slightly polar, at codon 1062 of the MET protein (p.Ser1062Cys). This variant is present in population databases (no rsID available, gnomAD 0.0009%). This variant has not been reported in the literature in individuals affected with MET-related conditions. ClinVar contains an entry for this variant (Variation ID: 823114). Invitae Evidence Modeling of protein sequence and biophysical properties (such as structural, functional, and spatial information, amino acid conservation, physicochemical variation, residue mobility, and thermodynamic stability) indicates that this missense variant is expected to disrupt MET protein function with a positive predictive value of 80%. In summary, the available evidence is currently insufficient to determine the role of this variant in disease. Therefore, it has been classified as a Variant of Uncertain Significance.

Ambry Genetics
Classification: Uncertain significance for Hereditary cancer-predisposing syndrome. Last evaluated: 2024-05-02. Review status: criteria provided, single submitter. Criteria: Ambry Variant Classification Scheme 2023. Collection method: clinical testing. Allele origin: germline.
Comment: The p.S1062C variant (also known as c.3184A>T), located in coding exon 14 of the MET gene, results from an A to T substitution at nucleotide position 3184. The serine at codon 1062 is replaced by cysteine, an amino acid with dissimilar properties. This amino acid position is well conserved in available vertebrate species. In addition, the in silico prediction for this alteration is inconclusive. Based on the available evidence, the clinical significance of this variant remains unclear.

GeneDx
Classification: Uncertain significance. Last evaluated: 2022-04-13. Review status: criteria provided, single submitter. Criteria: GeneDx Variant Classification Process June 2021. Collection method: clinical testing. Allele origin: germline. Affected: yes.
Comment: Not observed at significant frequency in large population cohorts (gnomAD); In silico analysis supports that this missense variant has a deleterious effect on protein structure/function; Has not been previously published as pathogenic or benign to our knowledge

NM_000245.4(MET):c.3130A>T (p.Ser1044Cys)

Gene: MET (MET proto-oncogene, receptor tyrosine kinase; plus strand). Cytogenetic location: 7q31.2.
Variant type: single nucleotide variant.
Coding change: c.3130A>T on transcript NM_000245.4 (MANE Select); coding-DNA position 3130, A replaced by T.
Protein change: p.Ser1044Cys; replaces serine 1044 with cysteine.
Molecular consequence: missense variant.
Genome position (GRCh38, 1-based): chr7:116,774,982, A>T. VCF-style: chr7-116774982-A-T. GRCh37 (hg19) VCF-style: chr7-116415036-A-T.
Other names: c.3184A>T, p.Ser1062Cys (NM_001127500.3); c.1840A>T, p.Ser614Cys (NM_001324402.2); short protein forms S1044C, S1062C, S614C.
Identifiers: ClinVar variation 823114 (VCV000823114.15), dbSNP rs1357266763, ClinGen allele CA368988251.